The following is an entry in ClinVar:

NM_003239.5(TGFB3):c.88T>C (p.Leu30=)

Gene: TGFB3 (transforming growth factor beta 3; minus strand). Cytogenetic location: 14q24.3.
Variant type: single nucleotide variant.
Coding change: c.88T>C on transcript NM_003239.5 (MANE Select); coding-DNA position 88, T replaced by C.
Protein change: p.Leu30=; no amino-acid change (leucine 30 retained).
Molecular consequence: synonymous variant.
Genome position (GRCh38, 1-based): chr14:75,980,806, A>G on the plus strand (T>C on the coding strand, the complement: TGFB3 is on the minus strand). VCF-style: chr14-75980806-A-G. GRCh37 (hg19) VCF-style: chr14-76447149-A-G.
Other names: c.88T>C, p.Leu30= (NM_001329938.2, NM_001329939.2); c.88T>C (NM_003239.4).
Identifiers: ClinVar variation 477646 (VCV000477646.24), dbSNP rs3917145, ClinGen allele CA7280520.

ClinVar aggregate classification (germline): Benign/Likely benign. Review status: criteria provided, multiple submitters, no conflicts (2 of 4 stars). 7 submissions from 7 submitters: Benign (3); Likely benign (3). 1 of the submissions does not count toward it. Last evaluated 2026-02-04.

Conditions:
Familial thoracic aortic aneurysm and aortic dissection (TAAD). Also called: Thoracic aortic aneurysms and dissections. Identifiers: Orphanet 91387, MedGen C4707243, MONDO:0019625.
TGFB3-related disorder. Also called: TGFB3-related condition.
Rienhoff syndrome. Also called: LOEYS-DIETZ SYNDROME 5. Identifiers: MedGen C3810012, MONDO:0014262, OMIM 615582.

Allele frequency attached by ClinVar (database versions not stated): gnomAD 0.00013 and 0.00035; TOPMed 0.00014; gnomAD exomes 0.00049; ExAC 0.00063; 1000 Genomes Project 30x 0.00125; 1000 Genomes Project 0.00160.
gnomAD v4.1: 1,403 of 1,614,162 alleles (0.087%); highest among the groups gnomAD compares: East Asian, 3.1%; 33 homozygotes.

Submissions (7):

Labcorp Genetics (formerly Invitae), Labcorp
Classification: Benign for Rienhoff syndrome. Last evaluated: 2026-02-04. Review status: criteria provided, single submitter. Criteria: Invitae Variant Classification Sherloc (09022015). Collection method: clinical testing. Allele origin: germline.

Blueprint Genetics
Classification: Likely benign. Last evaluated: 2024-10-23. Review status: criteria provided, single submitter. Criteria: ACMG Guidelines, 2015. Collection method: clinical testing. Allele origin: germline.

Women's Health and Genetics/Laboratory Corporation of America, LabCorp
Classification: Likely benign. Last evaluated: 2023-06-10. Review status: criteria provided, single submitter. Criteria: LabCorp Variant Classification Summary - May 2015. Collection method: clinical testing. Allele origin: germline.

ARUP Laboratories, Molecular Genetics and Genomics, ARUP Laboratories
Classification: Benign. Last evaluated: 2022-04-13. Review status: criteria provided, single submitter. Criteria: ARUP Molecular Germline Variant Investigation Process 2021. Collection method: clinical testing. Allele origin: germline.

GeneDx
Classification: Likely benign. Last evaluated: 2020-07-30. Review status: criteria provided, single submitter. Criteria: GeneDx Variant Classification Process June 2021. Collection method: clinical testing. Allele origin: germline. Affected: yes.

Ambry Genetics
Classification: Benign for Familial thoracic aortic aneurysm and aortic dissection. Last evaluated: 2016-04-21. Review status: criteria provided, single submitter. Criteria: Ambry Variant Classification Scheme 2023. Collection method: clinical testing. Allele origin: germline.

PreventionGenetics, part of Exact Sciences
Classification: Likely benign for TGFB3-related condition. Last evaluated: 2024-06-03. Review status: no assertion criteria provided. Collection method: clinical testing. Allele origin: germline. Not counted in ClinVar's aggregate classification.
Comment: This variant is classified as likely benign based on ACMG/AMP sequence variant interpretation guidelines (Richards et al. 2015 PMID: 25741868, with internal and published modifications).